The following is an entry in ClinVar:

NM_133642.5(LARGE1):c.607G>A (p.Glu203Lys)

Gene: LARGE1 (LARGE xylosyl- and glucuronyltransferase 1; minus strand). Cytogenetic location: 22q12.3.
Variant type: single nucleotide variant.
Coding change: c.607G>A on transcript NM_133642.5 (MANE Select); coding-DNA position 607, G replaced by A.
Protein change: p.Glu203Lys; replaces glutamic acid 203 with lysine.
Molecular consequence: missense variant.
Genome position (GRCh38, 1-based): chr22:33,604,443, C>T on the plus strand (G>A on the coding strand, the complement: LARGE1 is on the minus strand). VCF-style: chr22-33604443-C-T. GRCh37 (hg19) VCF-style: chr22-34000429-C-T.
Other names: c.607G>A, p.Glu203Lys (NM_001362949.2, NM_001362951.2, NM_001362953.2 and 7 more transcripts); c.607G>A (NM_004737.6); short protein forms E203K.
Identifiers: ClinVar variation 432724 (VCV000432724.9), dbSNP rs776803926, ClinGen allele CA10202997.

ClinVar aggregate classification (germline): Uncertain significance. Review status: criteria provided, multiple submitters, no conflicts (2 of 4 stars). 3 submissions from 3 submitters: Uncertain significance (3). Last evaluated 2024-12-30.

Conditions:
Muscular dystrophy-dystroglycanopathy type B6 (MDDGB6). Also called: MUSCULAR DYSTROPHY, CONGENITAL, LARGE-RELATED; MUSCULAR DYSTROPHY, CONGENITAL, TYPE 1D; MUSCULAR DYSTROPHY-DYSTROGLYCANOPATHY (CONGENITAL WITH IMPAIRED INTELLECTUAL DEVELOPMENT), TYPE B, 6. Identifiers: MedGen C1837229, MONDO:0012138, OMIM 608840.

Allele frequency attached by ClinVar (database versions not stated): gnomAD 0.00003; TOPMed 0.00003; ExAC 0.00004; gnomAD exomes 0.00005 and 0.00006.
gnomAD v4.1: 95 of 1,613,902 alleles (0.0059%); highest among the groups gnomAD compares: Non-Finnish European, 0.0073%; no homozygotes.

Submissions (3):

GeneDx
Classification: Uncertain significance. Last evaluated: 2024-12-30. Review status: criteria provided, single submitter. Criteria: GeneDx Variant Classification Process June 2021. Collection method: clinical testing. Allele origin: germline. Affected: yes.
Comment: Not observed at significant frequency in large population cohorts (gnomAD); In silico analysis indicates that this missense variant does not alter protein structure/function; Has not been previously published as pathogenic or benign to our knowledge; This variant is associated with the following publications: (PMID: 24709677, 25279699)

Labcorp Genetics (formerly Invitae), Labcorp
Classification: Uncertain significance for Muscular dystrophy-dystroglycanopathy type B6. Last evaluated: 2022-09-06. Review status: criteria provided, single submitter. Criteria: Invitae Variant Classification Sherloc (09022015). Collection method: clinical testing. Allele origin: germline.
Comment: This sequence change replaces glutamic acid, which is acidic and polar, with lysine, which is basic and polar, at codon 203 of the LARGE1 protein (p.Glu203Lys). This variant is present in population databases (rs776803926, gnomAD 0.01%). This variant has not been reported in the literature in individuals affected with LARGE1-related conditions. ClinVar contains an entry for this variant (Variation ID: 432724). Algorithms developed to predict the effect of missense changes on protein structure and function are either unavailable or do not agree on the potential impact of this missense change (SIFT: "Deleterious"; PolyPhen-2: "Possibly Damaging"; Align-GVGD: "Class C0"). In summary, the available evidence is currently insufficient to determine the role of this variant in disease. Therefore, it has been classified as a Variant of Uncertain Significance.

Revvity Omics, Revvity
Classification: Uncertain significance. Last evaluated: 2019-07-25. Review status: criteria provided, single submitter. Criteria: ACMG Guidelines, 2015. Collection method: clinical testing. Allele origin: germline.